The following is an entry in ClinVar:

NM_000138.5(FBN1):c.6530G>A (p.Gly2177Glu)

Gene: FBN1 (fibrillin 1; minus strand). Cytogenetic location: 15q21.1.
Variant type: single nucleotide variant.
Coding change: c.6530G>A on transcript NM_000138.5 (MANE Select); coding-DNA position 6530, G replaced by A.
Protein change: p.Gly2177Glu; replaces glycine 2177 with glutamic acid.
Molecular consequence: missense variant.
Genome position (GRCh38, 1-based): chr15:48,434,680, C>T on the plus strand (G>A on the coding strand, the complement: FBN1 is on the minus strand). VCF-style: chr15-48434680-C-T. GRCh37 (hg19) VCF-style: chr15-48726877-C-T.
Other names: c.6530G>A, p.Gly2177Glu (NM_001406716.1); short protein forms G2177E.
Identifiers: ClinVar variation 3754050 (VCV003754050.2).
Genomic context (GRCh38, chr15:48,434,680, plus strand): 5'-TCAAATCCCTCCTCGCAGGTGCATTCAAAACCTCCAATCACATTCTTGCAGGTTCCATTT[C>T]CACAAGGATTGCCAACAGAACATTCATCAGTATCTGCAAGAAACCAGGAATGTGTCCAAA-3'
Protein context (NP_000129.3, residues 2167-2187): TDECSVGNPC[Gly2177Glu]NGTCKNVIGG

ClinVar aggregate classification (germline): Uncertain significance (1 of 4 stars; one submission).

Conditions:
Marfan syndrome (MFS). Also called: MARFAN SYNDROME, TYPE I; Marfan syndrome type 1; Marfan's syndrome; Marfan syndrome, classic; FBN1-Related Marfan Syndrome. Identifiers: Orphanet 284963, Orphanet 558, MedGen C0024796, MONDO:0007947, OMIM 154700.
Familial thoracic aortic aneurysm and aortic dissection (TAAD). Also called: Thoracic aortic aneurysms and dissections. Identifiers: Orphanet 91387, MedGen C4707243, MONDO:0019625.

Submission:

Labcorp Genetics (formerly Invitae), Labcorp
Classification: Uncertain significance for Marfan syndrome; Familial thoracic aortic aneurysm and aortic dissection. Last evaluated: 2024-12-05. Review status: criteria provided, single submitter. Criteria: Invitae Variant Classification Sherloc (09022015). Collection method: clinical testing. Allele origin: germline.
Comment: This sequence change replaces glycine, which is neutral and non-polar, with glutamic acid, which is acidic and polar, at codon 2177 of the FBN1 protein (p.Gly2177Glu). This variant is not present in population databases (gnomAD no frequency). This variant has not been reported in the literature in individuals affected with FBN1-related conditions. Invitae Evidence Modeling of protein sequence and biophysical properties (such as structural, functional, and spatial information, amino acid conservation, physicochemical variation, residue mobility, and thermodynamic stability) indicates that this missense variant is expected to disrupt FBN1 protein function with a positive predictive value of 95%. In summary, the available evidence is currently insufficient to determine the role of this variant in disease. Therefore, it has been classified as a Variant of Uncertain Significance.